The following is an entry in ClinVar:

ClinVar aggregate classification (germline): Uncertain significance. Review status: criteria provided, single submitter (1 of 4 stars). 2 submissions from 2 submitters: Uncertain significance (1). 1 of the submissions does not count toward it. Last evaluated 2022-02-03.

Conditions:
Usher syndrome type 1F (USH1F). Also called: USHER SYNDROME, TYPE IF. Identifiers: Orphanet 231169, Orphanet 886, MedGen C1865885, MONDO:0011186, OMIM 602083.

Allele frequency attached by ClinVar (database versions not stated): gnomAD exomes 0.00001 and below 0.00001; TOPMed below 0.00001; ExAC 0.00001.
gnomAD v4.1: 12 of 1,613,958 alleles (0.00074%); highest among the groups gnomAD compares: Non-Finnish European, 0.001%; no homozygotes.

Submissions (2):

Labcorp Genetics (formerly Invitae), Labcorp
Classification: Uncertain significance. Last evaluated: 2022-02-03. Review status: criteria provided, single submitter. Criteria: Invitae Variant Classification Sherloc (09022015). Collection method: clinical testing. Allele origin: germline.
Comment: This sequence change replaces phenylalanine, which is neutral and non-polar, with leucine, which is neutral and non-polar, at codon 1552 of the PCDH15 protein (p.Phe1552Leu). This variant is present in population databases (rs765129268, gnomAD 0.0009%). This variant has not been reported in the literature in individuals affected with PCDH15-related conditions. ClinVar contains an entry for this variant (Variation ID: 1044021). Algorithms developed to predict the effect of missense changes on protein structure and function output the following: SIFT: "Tolerated"; PolyPhen-2: "Benign"; Align-GVGD: "Class C0". The leucine amino acid residue is found in multiple mammalian species, which suggests that this missense change does not adversely affect protein function. In summary, the available evidence is currently insufficient to determine the role of this variant in disease. Therefore, it has been classified as a Variant of Uncertain Significance.

Natera, Inc.
Classification: Uncertain significance for Usher syndrome type 1F. Last evaluated: 2020-05-28. Review status: no assertion criteria provided. Collection method: clinical testing. Allele origin: germline. Not counted in ClinVar's aggregate classification.

NM_033056.4(PCDH15):c.4654T>C (p.Phe1552Leu)

Gene: PCDH15 (protocadherin related 15; minus strand). Cytogenetic location: 10q21.1.
Variant type: single nucleotide variant.
Coding change: c.4654T>C on transcript NM_033056.4 (MANE Plus Clinical); coding-DNA position 4654, T replaced by C.
Protein change: p.Phe1552Leu; replaces phenylalanine 1552 with leucine.
Molecular consequence: missense variant. On other transcripts: intron variant (8).
Genome position (GRCh38, 1-based): chr10:53,823,072, A>G on the plus strand (T>C on the coding strand, the complement: PCDH15 is on the minus strand). VCF-style: chr10-53823072-A-G. GRCh37 (hg19) VCF-style: chr10-55582832-A-G.
Other names: c.4675T>C, p.Phe1559Leu (NM_001142763.2); c.4660T>C, p.Phe1554Leu (NM_001142764.2); c.4447T>C, p.Phe1483Leu (NM_001142765.2); c.4645T>C, p.Phe1549Leu (NM_001142766.2); c.4534T>C, p.Phe1512Leu (NM_001142767.2); c.4594T>C, p.Phe1532Leu (NM_001142768.2); c.4585T>C, p.Phe1529Leu (NM_001142773.2); c.4588T>C, p.Phe1530Leu (NM_001354404.2); and 6 more; short protein forms F1530L, F1552L, F1483L, F1532L, F1549L, F1512L, F1529L, F1554L.
Identifiers: ClinVar variation 1044021 (VCV001044021.3), dbSNP rs765129268, ClinGen allele CA5505226.